The following is an entry in ClinVar:

ClinVar aggregate classification (germline): Pathogenic. Review status: criteria provided, single submitter (1 of 4 stars). 2 submissions from 2 submitters: Pathogenic (1). 1 of the submissions does not count toward it. Last evaluated 2023-07-18.

Conditions:
Phenylketonuria (PKU). Also called: Phenylketonuria (PKU); FOLLING DISEASE; OLIGOPHRENIA PHENYLPYRUVICA; Phenylketonurias. Identifiers: Orphanet 716, MedGen C0031485, MONDO:0009861, OMIM 261600. Disease mechanism: loss of function.

Submissions (2):

Women's Health and Genetics/Laboratory Corporation of America, LabCorp
Classification: Pathogenic for Phenylketonuria. Last evaluated: 2023-07-18. Review status: criteria provided, single submitter. Criteria: LabCorp Variant Classification Summary - May 2015. Collection method: clinical testing. Allele origin: germline.
Comment: Variant summary: PAH c.810A>T (p.Arg270Ser) results in a non-conservative amino acid change located in the Eukaryotic phenylalanine-4-hydroxylase, catalytic domain (IPR041912) of the encoded protein sequence. Five of five in-silico tools predict a damaging effect of the variant on protein function. The variant was absent in 251348 control chromosomes (gnomAD). c.810A>T has been reported in the literature in individuals affected with Phenylalanine Hydroxylase Deficiency (Phenylketonuria, e.g. Kleiman_1993, Zhu_2013). These data indicate that the variant is likely to be associated with disease. Functional characterization of the variant using COS cells showed that while the variant did not impact mRNA transcription, it resulted in nearly absent protein levels which reflected in 0% enzymatic activity (Kleiman_1993). A different missense variant affecting the same codon (p.Arg270Lys, ClinVar:102846) has been previously classified as pathogenic, indicating this residue is of clinical significance. The following publications have been ascertained in the context of this evaluation (PMID: 8518802, 23932990). No submitters have cited clinical-significance assessments for this variant to ClinVar after 2014. Based on the evidence outlined above, the variant was classified as pathogenic.

DeBelle Laboratory for Biochemical Genetics, MUHC/MCH RESEARCH INSTITUTE
No classification provided. Review status: no classification provided. Collection method: not provided. Allele origin: not provided. Not counted in ClinVar's aggregate classification.

Literature cited by the submitters: PubMed 23932990 (cited by Women's Health and Genetics/Laboratory Corporation of America, LabCorp); PubMed 8518802 (cited by Women's Health and Genetics/Laboratory Corporation of America, LabCorp).

NM_000277.3(PAH):c.810A>T (p.Arg270Ser)

Gene: PAH (phenylalanine hydroxylase; minus strand). Cytogenetic location: 12q23.2.
Variant type: single nucleotide variant.
Coding change: c.810A>T on transcript NM_000277.3 (MANE Select); coding-DNA position 810, A replaced by T.
Protein change: p.Arg270Ser; replaces arginine 270 with serine.
Molecular consequence: missense variant.
Genome position (GRCh38, 1-based): chr12:102,852,847, T>A on the plus strand (A>T on the coding strand, the complement: PAH is on the minus strand). VCF-style: chr12-102852847-T-A. GRCh37 (hg19) VCF-style: chr12-103246625-T-A.
Other names: c.810A>T, p.Arg270Ser (NM_001354304.2); short protein forms R270S.
Identifiers: ClinVar variation 102847 (VCV000102847.2), dbSNP rs62514951, ClinGen allele CA229782.